The following is an entry in ClinVar:

ClinVar aggregate classification (germline): Uncertain significance (1 of 4 stars; one submission).

Conditions:
PRKD1-related disorder. Also called: PRKD1-related condition.

gnomAD v4.1: 2 of 1,505,036 alleles (0.00013%); highest among the groups gnomAD compares: Non-Finnish European, 0.00018%; no homozygotes.

Submission:

PreventionGenetics, part of Exact Sciences
Classification: Uncertain significance for PRKD1-related condition. Last evaluated: 2025-08-29. Review status: criteria provided, single submitter. Criteria: ACMG Guidelines, 2015. Collection method: clinical testing. Allele origin: germline.
Comment: The PRKD1 c.259C>A variant is predicted to result in the amino acid substitution p.Gln87Lys. To our knowledge, this variant has not been reported in the literature or in a large population database (gnomAD), indicating this variant is rare. At this time, the clinical significance of this variant is uncertain due to the absence of conclusive functional and genetic evidence.

NM_002742.3(PRKD1):c.259C>A (p.Gln87Lys)

Gene: PRKD1 (protein kinase D1; minus strand). Cytogenetic location: 14q12.
Variant type: single nucleotide variant.
Coding change: c.259C>A on transcript NM_002742.3 (MANE Select); coding-DNA position 259, C replaced by A.
Protein change: p.Gln87Lys; replaces glutamine 87 with lysine.
Molecular consequence: missense variant.
Genome position (GRCh38, 1-based): chr14:29,927,254, G>T on the plus strand (C>A on the coding strand, the complement: PRKD1 is on the minus strand). VCF-style: chr14-29927254-G-T. GRCh37 (hg19) VCF-style: chr14-30396460-G-T.
Other names: c.259C>A, p.Gln87Lys (NM_001330069.2); short protein forms Q87K.
Identifiers: ClinVar variation 4992301 (VCV004992301.1).
Genomic context (GRCh38, chr14:29,927,254, plus strand): 5'-CAGCGCCCCCTGCGCCGCGGGGAGGCGCCGGGCTGGCAGCGGTGCGGCGACTTACCTTCT[G>T]GTCGACAATGGAGCAAGCCATCTCGCGGACGTGCGCCAGGCTGTAGTCCCCGGACGAGTC-3'
Protein context (NP_002733.2, residues 77-97): VREMACSIVD[Gln87Lys]KFPECGFYGM